The following is an entry in ClinVar:

ClinVar aggregate classification (germline): Uncertain significance (1 of 4 stars; one submission).

Conditions:
Tumor predisposition syndrome 3 (TPDS3). Also called: Melanoma, cutaneous malignant, susceptibility to, 10; Glioma susceptibility 9; LONG TELOMERE SYNDROME, POT1-RELATED; POT1 Tumor Predisposition. Identifiers: Orphanet 618, MedGen C4014476, MONDO:0014368, OMIM 615848.

Submission:

Labcorp Genetics (formerly Invitae), Labcorp
Classification: Uncertain significance for Tumor predisposition syndrome 3. Last evaluated: 2024-09-03. Review status: criteria provided, single submitter. Criteria: Invitae Variant Classification Sherloc (09022015). Collection method: clinical testing. Allele origin: germline.
Comment: This sequence change replaces glycine, which is neutral and non-polar, with glutamic acid, which is acidic and polar, at codon 431 of the POT1 protein (p.Gly431Glu). This variant is not present in population databases (gnomAD no frequency). This variant has not been reported in the literature in individuals affected with POT1-related conditions. Invitae Evidence Modeling of protein sequence and biophysical properties (such as structural, functional, and spatial information, amino acid conservation, physicochemical variation, residue mobility, and thermodynamic stability) indicates that this missense variant is not expected to disrupt POT1 protein function with a negative predictive value of 80%. In summary, the available evidence is currently insufficient to determine the role of this variant in disease. Therefore, it has been classified as a Variant of Uncertain Significance.

NM_015450.3(POT1):c.1292G>A (p.Gly431Glu)

Gene: POT1 (protection of telomeres 1; minus strand). Cytogenetic location: 7q31.33.
Variant type: single nucleotide variant.
Coding change: c.1292G>A on transcript NM_015450.3 (MANE Select); coding-DNA position 1292, G replaced by A.
Protein change: p.Gly431Glu; replaces glycine 431 with glutamic acid.
Molecular consequence: missense variant. On other transcripts: non-coding transcript variant (3).
Genome position (GRCh38, 1-based): chr7:124,841,050, C>T on the plus strand (G>A on the coding strand, the complement: POT1 is on the minus strand). VCF-style: chr7-124841050-C-T. GRCh37 (hg19) VCF-style: chr7-124481104-C-T.
Other names: c.899G>A, p.Gly300Glu (NM_001042594.2); short protein forms G300E, G431E.
Identifiers: ClinVar variation 3645665 (VCV003645665.2).